The following is an entry in ClinVar:

NM_001361.5(DHODH):c.1009A>T (p.Ser337Cys)

Genes: DHODH (dihydroorotate dehydrogenase (quinone); plus strand), LOC126862390 (MED14-independent group 3 enhancer GRCh37_chr16:72057307-72058506; plus strand). Cytogenetic location: 16q22.2.
Variant type: single nucleotide variant.
Coding change: c.1009A>T on transcript NM_001361.5 (MANE Select); coding-DNA position 1009, A replaced by T.
Protein change: p.Ser337Cys; replaces serine 337 with cysteine.
Molecular consequence: missense variant.
Genome position (GRCh38, 1-based): chr16:72,023,509, A>T. VCF-style: chr16-72023509-A-T. GRCh37 (hg19) VCF-style: chr16-72057408-A-T.
Other names: short protein forms S337C.
Identifiers: ClinVar variation 320440 (VCV000320440.8), dbSNP rs376142632, ClinGen allele CA8158835.

ClinVar aggregate classification (germline): Uncertain significance. Review status: criteria provided, multiple submitters, no conflicts (2 of 4 stars). 3 submissions from 3 submitters: Uncertain significance (3). Last evaluated 2025-01-31.

Conditions:
Inborn genetic diseases. Identifiers: MedGen C0950123, MeSH D030342.
Miller syndrome (POADS). Also called: GENEE-WIEDEMANN SYNDROME; Genee-Wiedemann acrofacial dysostosis. Identifiers: Orphanet 246, MedGen C0265257, MONDO:0009903, OMIM 263750.

Allele frequency attached by ClinVar (database versions not stated): TOPMed 0.00005; gnomAD exomes 0.00006 and 0.00012; gnomAD 0.00009 and 0.00010; ExAC 0.00010; ESP Exome Variant Server 0.00016.
gnomAD v4.1: 179 of 1,614,012 alleles (0.011%); highest among the groups gnomAD compares: Non-Finnish European, 0.015%; no homozygotes.

Submissions (3):

GeneDx
Classification: Uncertain significance. Last evaluated: 2025-01-31. Review status: criteria provided, single submitter. Criteria: GeneDx Variant Classification Process June 2021. Collection method: clinical testing. Allele origin: germline. Affected: yes.
Comment: In silico analysis supports that this missense variant has a deleterious effect on protein structure/function; Has not been previously published as pathogenic or benign to our knowledge

Ambry Genetics
Classification: Uncertain significance for Inborn genetic diseases. Last evaluated: 2023-09-14. Review status: criteria provided, single submitter. Criteria: Ambry Variant Classification Scheme 2023. Collection method: clinical testing. Allele origin: germline.

Illumina Laboratory Services, Illumina
Classification: Uncertain significance for Miller syndrome. Last evaluated: 2018-01-13. Review status: criteria provided, single submitter. Criteria: ICSL Variant Classification Criteria 13 December 2019. Collection method: clinical testing. Allele origin: germline.